The following is an entry in ClinVar:

NM_000067.3(CA2):c.664-226dup

Gene: CA2 (carbonic anhydrase 2; plus strand). Cytogenetic location: 8q21.2.
Variant type: Duplication.
Coding change: c.664-226dup on transcript NM_000067.3 (MANE Select); 226 bases into the intron before coding-DNA position 664, one base duplicated (T; older notation c.664-226dupT).
Molecular consequence: intron variant.
Genome position (GRCh38, 1-based): chr8:85,480,444, T duplicated. VCF-style (leftmost placement, unchanged base first): chr8-85480443-G-GT. GRCh37 (hg19) VCF-style: chr8-86392672-G-GT.
Other names: c.361-226dup (NM_001293675.2).
Identifiers: ClinVar variation 2136219 (VCV002136219.1), dbSNP rs1213290850, ClinGen allele CA461791507.

ClinVar aggregate classification (germline): Likely benign (1 of 4 stars; one submission).

Submission:

GeneDx
Classification: Likely benign. Last evaluated: 2021-05-20. Review status: criteria provided, single submitter. Criteria: GeneDx Variant Classification Process June 2021. Collection method: clinical testing. Allele origin: germline. Affected: yes.
Comment: See Variant Classification Assertion Criteria.